The following is an entry in ClinVar:

NM_133379.5(TTN):c.15268G>A (p.Glu5090Lys)

Gene: TTN (titin; minus strand). Cytogenetic location: 2q31.2.
Variant type: single nucleotide variant.
Coding change: c.15268G>A on transcript NM_133379.5; coding-DNA position 15268, G replaced by A.
Protein change: p.Glu5090Lys; replaces glutamic acid 5090 with lysine.
Molecular consequence: missense variant. On other transcripts: intron variant (6).
Genome position (GRCh38, 1-based): chr2:178,747,132, C>T on the plus strand (G>A on the coding strand, the complement: TTN is on the minus strand). VCF-style: chr2-178747132-C-T. GRCh37 (hg19) VCF-style: chr2-179611859-C-T.
Other names: c.10223-5211G>A (NM_003319.4); c.10799-5211G>A (NM_133437.4); c.10598-5211G>A (NM_133432.3); c.10360+5992G>A (NM_133378.4); c.10361-5211G>A (NM_001256850.1); c.11312-5211G>A (NM_001267550.2); c.15268G>A (NM_133379.4); short protein forms E5090K.
Identifiers: ClinVar variation 4980507 (VCV004980507.1), dbSNP rs759923770.

ClinVar aggregate classification (germline): Uncertain significance (1 of 4 stars; one submission).

Conditions:
TTN-related disorder. Also called: TTN-related disorders; TTN-related condition; TTN-related disease.

Allele frequency attached by ClinVar (database versions not stated): TOPMed 0.00002; ExAC 0.00003; gnomAD exomes 0.00003.
gnomAD v4.1: 60 of 1,605,916 alleles (0.0037%); highest among the groups gnomAD compares: Non-Finnish European, 0.0048%; no homozygotes.

Submission:

PreventionGenetics, part of Exact Sciences
Classification: Uncertain significance for TTN-related condition. Last evaluated: 2025-10-30. Review status: criteria provided, single submitter. Criteria: ACMG Guidelines, 2015. Collection method: clinical testing. Allele origin: germline.
Comment: The TTN c.15268G>A variant is predicted to result in the amino acid substitution p.Glu5090Lys. Of note, this variant is also referred to as c.15268G>A (p.Glu5090Lys), located in exon 46 of the alternative Novex-3 transcript NM_133379 (minor small cardiac isoform). This exon is not included in any other TTN transcripts (principle cardiac or skeletal muscle isoforms). To our knowledge, this variant has not been reported in the literature. This variant is reported in 0.0062% of alleles in individuals of European (Non-Finnish) descent in gnomAD. At this time, the clinical significance of this variant is uncertain due to the absence of conclusive functional and genetic evidence.